The following is an entry in ClinVar:

ClinVar aggregate classification (germline): Uncertain significance (1 of 4 stars; one submission).

Conditions:
Mitochondrial complex V (ATP synthase) deficiency, nuclear type 2. Also called: ENCEPHALOCARDIOMYOPATHY, MITOCHONDRIAL, NEONATAL, DUE TO ATP SYNTHASE DEFICIENCY; MITOCHONDRIAL COMPLEX V (ATP SYNTHASE) DEFICIENCY, TMEM70 TYPE; Nuclear-Encoded ATPase Deficiency, TMEM70-Related. Identifiers: Orphanet 1194, MedGen C3279699, MONDO:0013546, OMIM 614052.

Submission:

Labcorp Genetics (formerly Invitae), Labcorp
Classification: Uncertain significance for Mitochondrial complex V (ATP synthase) deficiency, nuclear type 2. Last evaluated: 2021-12-07. Review status: criteria provided, single submitter. Criteria: Invitae Variant Classification Sherloc (09022015). Collection method: clinical testing. Allele origin: germline.
Comment: In summary, the available evidence is currently insufficient to determine the role of this variant in disease. Therefore, it has been classified as a Variant of Uncertain Significance. Algorithms developed to predict the effect of missense changes on protein structure and function (SIFT, PolyPhen-2, Align-GVGD) all suggest that this variant is likely to be tolerated. This variant has not been reported in the literature in individuals affected with TMEM70-related conditions. This variant is not present in population databases (gnomAD no frequency). This sequence change replaces aspartic acid, which is acidic and polar, with asparagine, which is neutral and polar, at codon 91 of the TMEM70 protein (p.Asp91Asn).

NM_017866.6(TMEM70):c.271G>A (p.Asp91Asn)

Gene: TMEM70 (transmembrane protein 70; plus strand). Cytogenetic location: 8q21.11.
Variant type: single nucleotide variant.
Coding change: c.271G>A on transcript NM_017866.6 (MANE Select); coding-DNA position 271, G replaced by A.
Protein change: p.Asp91Asn; replaces aspartic acid 91 with asparagine.
Molecular consequence: missense variant. On other transcripts: non-coding transcript variant (1).
Genome position (GRCh38, 1-based): chr8:73,978,816, G>A. VCF-style: chr8-73978816-G-A. GRCh37 (hg19) VCF-style: chr8-74891051-G-A.
Other names: c.271G>A, p.Asp91Asn (NM_001040613.3); short protein forms D91N.
Identifiers: ClinVar variation 1394374 (VCV001394374.8), dbSNP rs2131233820, ClinGen allele CA371489615.